The following is an entry in ClinVar:

NM_001365276.2(TNXB):c.6348C>T (p.Thr2116=)

Gene: TNXB (tenascin XB; minus strand). Cytogenetic location: 6p21.33.
Variant type: single nucleotide variant.
Coding change: c.6348C>T on transcript NM_001365276.2 (MANE Select); coding-DNA position 6348, C replaced by T.
Protein change: p.Thr2116=; no amino-acid change (threonine 2116 retained).
Molecular consequence: synonymous variant.
Genome position (GRCh38, 1-based): chr6:32,067,857, G>A on the plus strand (C>T on the coding strand, the complement: TNXB is on the minus strand). VCF-style: chr6-32067857-G-A. GRCh37 (hg19) VCF-style: chr6-32035634-G-A.
Other names: p.Thr2116=; c.6348C>T, p.Thr2116= (NM_019105.8).
Identifiers: ClinVar variation 1253322 (VCV001253322.10), dbSNP rs143840297, ClinGen allele CA3734460.
Genomic context (GRCh38, chr6:32,067,857, plus strand): 5'-GGGCCGCCCGTCCCTGTCCTTGTACTGCACGGTGAAGGAGTCGAAGCGGCCCTGGGGGAC[G>A]GTCCAGGAGAGGCTCAGCGAGTCAGGGGAGGATCCTGTCACTGTTAGCTCCCCCAGGAGC-3'
Protein context (NP_001352205.1, residues 2106-2126): SSPDSLSLSW[Thr2116=]VPQGRFDSFT

ClinVar aggregate classification (germline): Benign. Review status: criteria provided, multiple submitters, no conflicts (2 of 4 stars). 6 submissions from 6 submitters: Benign (6). Last evaluated 2026-02-04.

Conditions:
Ehlers-Danlos syndrome (EDS). Identifiers: Orphanet 98249, MedGen C0013720, MONDO:0020066.
Cardiovascular phenotype. Identifiers: MedGen CN230736.

Allele frequency attached by ClinVar (database versions not stated): ExAC 0.00672; 1000 Genomes Project 30x 0.01718; gnomAD 0.00419 and 0.00512; ESP Exome Variant Server 0.00153; gnomAD exomes 0.00679; 1000 Genomes Project 0.01777.
gnomAD v4.1: 5,389 of 1,613,000 alleles (0.33%); highest among the groups gnomAD compares: East Asian, 7.3%; 156 homozygotes.

Submissions (6):

Labcorp Genetics (formerly Invitae), Labcorp
Classification: Benign. Last evaluated: 2026-02-04. Review status: criteria provided, single submitter. Criteria: Invitae Variant Classification Sherloc (09022015). Collection method: clinical testing. Allele origin: germline.

Women's Health and Genetics/Laboratory Corporation of America, LabCorp
Classification: Benign. Last evaluated: 2026-01-22. Review status: criteria provided, single submitter. Criteria: LabCorp Variant Classification Summary - May 2015. Collection method: clinical testing. Allele origin: germline.

Mayo Clinic Laboratories, Mayo Clinic
Classification: Benign. Last evaluated: 2024-08-21. Review status: criteria provided, single submitter. Criteria: ACMG Guidelines, 2015. Collection method: clinical testing. Allele origin: germline. Observed: 8 variant alleles.
Comment: BA1

GeneDx
Classification: Benign. Last evaluated: 2020-12-04. Review status: criteria provided, single submitter. Criteria: GeneDx Variant Classification Process June 2021. Collection method: clinical testing. Allele origin: germline. Affected: yes.

Genome Diagnostics Laboratory, The Hospital for Sick Children
Classification: Benign for Ehlers-Danlos syndrome. Last evaluated: 2020-07-10. Review status: criteria provided, single submitter. Criteria: ACMG Guidelines, 2015. Collection method: clinical testing. Allele origin: germline.

Ambry Genetics
Classification: Benign for Cardiovascular phenotype. Last evaluated: 2019-06-10. Review status: criteria provided, single submitter. Criteria: Ambry Variant Classification Scheme 2023. Collection method: clinical testing. Allele origin: germline.